The following is an entry in ClinVar:

NM_176869.3(PPA2):c.779A>G (p.Asn260Ser)

Gene: PPA2 (inorganic pyrophosphatase 2; minus strand). Cytogenetic location: 4q24.
Variant type: single nucleotide variant.
Coding change: c.779A>G on transcript NM_176869.3 (MANE Select); coding-DNA position 779, A replaced by G.
Protein change: p.Asn260Ser; replaces asparagine 260 with serine.
Molecular consequence: missense variant.
Genome position (GRCh38, 1-based): chr4:105,399,041, T>C on the plus strand (A>G on the coding strand, the complement: PPA2 is on the minus strand). VCF-style: chr4-105399041-T-C. GRCh37 (hg19) VCF-style: chr4-106320198-T-C.
Other names: c.692A>G, p.Asn231Ser (NM_006903.4); c.473A>G, p.Asn158Ser (NM_176866.2); c.281A>G, p.Asn94Ser (NM_176867.3); short protein forms N94S, N231S, N158S, N260S.
Identifiers: ClinVar variation 2345531 (VCV002345531.3), dbSNP rs781035150, ClinGen allele CA102782389.
Genomic context (GRCh38, chr4:105,399,041, plus strand): 5'-CGAATATTGTACAGGTATCAGGAGGTACATTTTAAAATAAAGATTCTCATCTTCACCTTG[T>C]TTTTGAATTCTCCATTAAAAGCAAACTGGTTTTCTGGTTTTCCATCTGGTACCTTATATA-3'
Protein context (NP_789845.1, residues 250-270): NQFAFNGEFK[Asn260Ser]KAFALEVIKS

ClinVar aggregate classification (germline): Uncertain significance. Review status: criteria provided, multiple submitters, no conflicts (2 of 4 stars). 2 submissions from 2 submitters: Uncertain significance (2). Last evaluated 2023-12-20.

Conditions:
Inborn genetic diseases. Identifiers: MedGen C0950123, MeSH D030342.

Allele frequency attached by ClinVar (database versions not stated): gnomAD 0.00001; gnomAD exomes 0.00001; TOPMed 0.00002.
gnomAD v4.1: 21 of 1,608,106 alleles (0.0013%); highest among the groups gnomAD compares: Non-Finnish European, 0.0017%; no homozygotes.

Submissions (2):

Labcorp Genetics (formerly Invitae), Labcorp
Classification: Uncertain significance. Last evaluated: 2023-12-20. Review status: criteria provided, single submitter. Criteria: Invitae Variant Classification Sherloc (09022015). Collection method: clinical testing. Allele origin: germline.
Comment: This sequence change replaces asparagine, which is neutral and polar, with serine, which is neutral and polar, at codon 260 of the PPA2 protein (p.Asn260Ser). This variant is present in population databases (rs781035150, gnomAD 0.003%). This variant has not been reported in the literature in individuals affected with PPA2-related conditions. ClinVar contains an entry for this variant (Variation ID: 2345531). Advanced modeling of protein sequence and biophysical properties (such as structural, functional, and spatial information, amino acid conservation, physicochemical variation, residue mobility, and thermodynamic stability) performed at Invitae indicates that this missense variant is not expected to disrupt PPA2 protein function with a negative predictive value of 80%. In summary, the available evidence is currently insufficient to determine the role of this variant in disease. Therefore, it has been classified as a Variant of Uncertain Significance.

Ambry Genetics
Classification: Uncertain significance for Inborn genetic diseases. Last evaluated: 2021-07-22. Review status: criteria provided, single submitter. Criteria: Ambry Variant Classification Scheme 2023. Collection method: clinical testing. Allele origin: germline.